The following is an entry in ClinVar:

ClinVar aggregate classification (germline): Uncertain significance. Review status: criteria provided, multiple submitters, no conflicts (2 of 4 stars). 2 submissions from 2 submitters: Uncertain significance (2). Last evaluated 2024-07-03.

Conditions:
Neurofibromatosis, type 1 (NF1). Also called: Neurofibromatosis, type I; VON RECKLINGHAUSEN DISEASE; Peripheral type neurofibromatosis; NEUROFIBROMATOSIS, TYPE I, SOMATIC. Identifiers: Orphanet 636, MedGen C0027831, MONDO:0018975, OMIM 162200. Disease mechanism: loss of function.
Cardiovascular phenotype. Identifiers: MedGen CN230736.
Hereditary cancer-predisposing syndrome. Also called: Neoplastic Syndromes, Hereditary; Hereditary neoplastic syndrome; Hereditary Cancer Syndrome; Tumor predisposition. Identifiers: Orphanet 140162, MedGen C0027672, MeSH D009386, MONDO:0015356.

Submissions (2):

Ambry Genetics
Classification: Uncertain significance for Cardiovascular phenotype; Hereditary cancer-predisposing syndrome. Last evaluated: 2024-07-03. Review status: criteria provided, single submitter. Criteria: Ambry Variant Classification Scheme 2023. Collection method: clinical testing. Allele origin: germline.
Comment: The p.H712Q variant (also known as c.2136C>A), located in coding exon 18 of the NF1 gene, results from a C to A substitution at nucleotide position 2136. The histidine at codon 712 is replaced by glutamine, an amino acid with highly similar properties. This amino acid position is conserved. In addition, the in silico prediction for this alteration is inconclusive. Based on the available evidence, the clinical significance of this variant remains unclear.

Labcorp Genetics (formerly Invitae), Labcorp
Classification: Uncertain significance for Neurofibromatosis, type 1. Last evaluated: 2024-04-29. Review status: criteria provided, single submitter. Criteria: Invitae Variant Classification Sherloc (09022015). Collection method: clinical testing. Allele origin: germline.
Comment: This sequence change replaces histidine, which is basic and polar, with glutamine, which is neutral and polar, at codon 712 of the NF1 protein (p.His712Gln). This variant is not present in population databases (gnomAD no frequency). This variant has not been reported in the literature in individuals affected with NF1-related conditions. ClinVar contains an entry for this variant (Variation ID: 2162366). Advanced modeling of protein sequence and biophysical properties (such as structural, functional, and spatial information, amino acid conservation, physicochemical variation, residue mobility, and thermodynamic stability) performed at Invitae indicates that this missense variant is not expected to disrupt NF1 protein function with a negative predictive value of 95%. In summary, the available evidence is currently insufficient to determine the role of this variant in disease. Therefore, it has been classified as a Variant of Uncertain Significance.

NM_001042492.3(NF1):c.2136C>A (p.His712Gln)

Gene: NF1 (neurofibromin 1; plus strand). Cytogenetic location: 17q11.2.
Variant type: single nucleotide variant.
Coding change: c.2136C>A on transcript NM_001042492.3 (MANE Select); coding-DNA position 2136, C replaced by A.
Protein change: p.His712Gln; replaces histidine 712 with glutamine.
Molecular consequence: missense variant.
Genome position (GRCh38, 1-based): chr17:31,226,569, C>A. VCF-style: chr17-31226569-C-A. GRCh37 (hg19) VCF-style: chr17-29553587-C-A.
Other names: c.2136C>A, p.His712Gln (NM_000267.4); short protein forms H712Q.
Identifiers: ClinVar variation 2162366 (VCV002162366.5), dbSNP rs1597712580, ClinGen allele CA398982334.